The following is an entry in ClinVar:

NM_001261826.3(AP3D1):c.2578AAG[4] (p.Lys862_Glu863insLys)

Gene: AP3D1 (adaptor related protein complex 3 subunit delta 1; minus strand). Cytogenetic location: 19p13.3.
Variant type: Microsatellite.
Coding change: c.2578AAG[4] on transcript NM_001261826.3 (MANE Select); four copies in a row of the 3-base unit AAG starting at c.2578; the reference has three copies in a row; one copy, 3 bases duplicated.
Protein change: p.Lys862_Glu863insLys.
Molecular consequence: inframe insertion.
Genome position (GRCh38, 1-based): chr19:2,114,140-2,114,142, CTT duplicated on the plus strand (AAG on the coding strand, the reverse complement: AP3D1 is on the minus strand); duplicating any 3 consecutive bases within chr19:2,114,140-2,114,150 gives the same sequence; the position shown is the placement nearest the transcript's 3' end. VCF-style (leftmost placement, unchanged base first): chr19-2114139-C-CCTT. GRCh37 (hg19) VCF-style: chr19-2114138-C-CCTT.
Other names: c.2578AAG[4], p.Lys862_Glu863insLys (NM_001374799.1, NM_003938.8).
Identifiers: ClinVar variation 2262198 (VCV002262198.2), dbSNP rs1325272641, ClinGen allele CA631305104.

ClinVar aggregate classification (germline): Uncertain significance (1 of 4 stars; one submission).

Conditions:
Inborn genetic diseases. Identifiers: MedGen C0950123, MeSH D030342.

Submission:

Ambry Genetics
Classification: Uncertain significance for Inborn genetic diseases. Last evaluated: 2021-12-16. Review status: criteria provided, single submitter. Criteria: Ambry Variant Classification Scheme 2023. Collection method: clinical testing. Allele origin: germline.
Comment: The c.2584_2586dupAAG (p.K862dup) alteration is located in exon 22 (coding exon 22) of the AP3D1 gene. The alteration consists of an in-frame duplication of 3 nucleotides from position 2584 to 2586, resulting in the duplication of 1 residue. Based on insufficient or conflicting evidence, the clinical significance of this alteration remains unclear.